The following is an entry in ClinVar:

ClinVar aggregate classification (germline): Uncertain significance (1 of 4 stars; one submission).

Conditions:
Ataxia-telangiectasia syndrome (AT). Also called: Ataxia-telangiectasia; LOUIS-BAR SYNDROME; Ataxia-telangiectasia, complementation group D; AT, COMPLEMENTATION GROUP C; ATAXIA-TELANGIECTASIA, COMPLEMENTATION GROUP A; ATAXIA-TELANGIECTASIA, FRESNO VARIANT. Identifiers: Orphanet 100, MedGen C0004135, MONDO:0008840, OMIM 208900.

Submission:

Labcorp Genetics (formerly Invitae), Labcorp
Classification: Uncertain significance for Ataxia-telangiectasia syndrome. Last evaluated: 2021-11-13. Review status: criteria provided, single submitter. Criteria: Invitae Variant Classification Sherloc (09022015). Collection method: clinical testing. Allele origin: germline.
Comment: This sequence change replaces proline, which is neutral and non-polar, with threonine, which is neutral and polar, at codon 2793 of the ATM protein (p.Pro2793Thr). This variant is not present in population databases (gnomAD no frequency). This variant has not been reported in the literature in individuals affected with ATM-related conditions. Advanced modeling of protein sequence and biophysical properties (such as structural, functional, and spatial information, amino acid conservation, physicochemical variation, residue mobility, and thermodynamic stability) performed at Invitae indicates that this missense variant is expected to disrupt ATM protein function. In summary, the available evidence is currently insufficient to determine the role of this variant in disease. Therefore, it has been classified as a Variant of Uncertain Significance.

NM_000051.4(ATM):c.8377C>A (p.Pro2793Thr)

Genes: ATM (ATM serine/threonine kinase; plus strand), C11orf65 (chromosome 11 open reading frame 65; minus strand). Cytogenetic location: 11q22.3.
Variant type: single nucleotide variant.
Coding change: c.8377C>A on transcript NM_000051.4 (MANE Select); coding-DNA position 8377, C replaced by A.
Protein change: p.Pro2793Thr; replaces proline 2793 with threonine.
Molecular consequence: missense variant. On other transcripts: intron variant (2).
Genome position (GRCh38, 1-based): chr11:108,343,330, C>A. VCF-style: chr11-108343330-C-A. GRCh37 (hg19) VCF-style: chr11-108214057-C-A.
Other names: c.8377C>A, p.Pro2793Thr (NM_001351834.2); c.641-34259G>T (NM_001330368.2); c.695-8038G>T (NM_001351110.2); short protein forms P2793T.
Identifiers: ClinVar variation 1418612 (VCV001418612.6), dbSNP rs1174335574, ClinGen allele CA382516538.